The following is an entry in ClinVar:

NM_004055.5(CAPN5):c.545CAG[1] (p.Ala183del)

Gene: CAPN5 (calpain 5; plus strand). Cytogenetic location: 11q13.5.
Variant type: Microsatellite.
Coding change: c.545CAG[1] on transcript NM_004055.5 (MANE Select); one copy of the 3-base unit CAG starting at c.545; the reference has two copies in a row; one copy, 3 bases deleted.
Protein change: p.Ala183del; deletes alanine 183.
Molecular consequence: inframe deletion.
Genome position (GRCh38, 1-based): chr11:77,114,283-77,114,285, CAG deleted; deleting any 3 consecutive bases within chr11:77,114,280-77,114,285 gives the same sequence; the position shown is the placement nearest the transcript's 3' end. VCF-style (leftmost placement, unchanged base first): chr11-77114279-ACAG-A. GRCh37 (hg19) VCF-style: chr11-76825325-ACAG-A.
Other names: short protein forms A183del.
Identifiers: ClinVar variation 1428156 (VCV001428156.7), dbSNP rs1950443892, ClinGen allele CA939779592.
Genomic context (GRCh38, chr11:77,114,279, plus strand): 5'-AGTCTTTCCACATTGCTTCCCAGACTGGCAGGCTGTTACCAGGCCCTGGATGGAGGCAAC[ACAG>A]CAGACGCACTGGTGGACTTCACGGGTGGTGTTTCTGAGCCCATCGACCTGACCGAGGGTG-3'

ClinVar aggregate classification (germline): Uncertain significance (1 of 4 stars; one submission).

Submission:

Labcorp Genetics (formerly Invitae), Labcorp
Classification: Uncertain significance. Last evaluated: 2022-09-19. Review status: criteria provided, single submitter. Criteria: Invitae Variant Classification Sherloc (09022015). Collection method: clinical testing. Allele origin: germline.
Comment: This variant, c.548_550del, results in the deletion of 1 amino acid(s) of the CAPN5 protein (p.Ala183del), but otherwise preserves the integrity of the reading frame. This variant is not present in population databases (gnomAD no frequency). This variant has not been reported in the literature in individuals affected with CAPN5-related conditions. Experimental studies and prediction algorithms are not available or were not evaluated, and the functional significance of this variant is currently unknown. In summary, the available evidence is currently insufficient to determine the role of this variant in disease. Therefore, it has been classified as a Variant of Uncertain Significance.